The following is an entry in ClinVar:

ClinVar aggregate classification (germline): Likely benign (0 of 4 stars; one submission).

Conditions:
PLXNA4-related disorder. Also called: PLXNA4-related condition.

gnomAD v4.1: 3 of 1,613,946 alleles (0.00019%); highest among the groups gnomAD compares: Non-Finnish European, 0.00025%; no homozygotes.

Submission:

PreventionGenetics, part of Exact Sciences
Classification: Likely benign for PLXNA4-related condition. Last evaluated: 2022-03-08. Review status: no assertion criteria provided. Collection method: clinical testing. Allele origin: germline.
Comment: This variant is classified as likely benign based on ACMG/AMP sequence variant interpretation guidelines (Richards et al. 2015 PMID: 25741868, with internal and published modifications).

NM_020911.2(PLXNA4):c.4005C>G (p.Leu1335=)

Gene: PLXNA4 (plexin A4; minus strand). Cytogenetic location: 7q32.3.
Variant type: single nucleotide variant.
Coding change: c.4005C>G on transcript NM_020911.2 (MANE Select); coding-DNA position 4005, C replaced by G.
Protein change: p.Leu1335=; no amino-acid change (leucine 1335 retained).
Molecular consequence: synonymous variant.
Genome position (GRCh38, 1-based): chr7:132,174,790, G>C on the plus strand (C>G on the coding strand, the complement: PLXNA4 is on the minus strand). VCF-style: chr7-132174790-G-C. GRCh37 (hg19) VCF-style: chr7-131859549-G-C.
Other names: c.4005C>G, p.Leu1335= (NM_001393897.1).
Identifiers: ClinVar variation 3355024 (VCV003355024.1).